The following is an entry in ClinVar:

ClinVar aggregate classification (germline): Pathogenic (1 of 4 stars; one submission).

Submission:

GeneDx
Classification: Pathogenic. Last evaluated: 2018-01-02. Review status: criteria provided, single submitter. Criteria: GeneDx Variant Classification (06012015). Collection method: clinical testing. Allele origin: germline. Affected: yes.
Comment: Although the c.978dupA pathogenic variant in the LMNA gene has not been reported to our knowledge, this variant causes a shift in reading frame starting at codon leucine 327, changing it to a threonine, and creating a premature stop codon at position 4 of the new reading frame, denoted p.Leu327ThrfsX4. This pathogenic variant is expected to result in either an abnormal, truncated protein product or loss of protein from this allele through nonsense-mediated mRNA decay. Many other frameshift variants in the LMNA gene have been reported in Human Gene Mutation Database in association with cardiomyopathy (Stenson et al., 2014), and loss-of-function is a known mechanism of disease for this gene. Furthermore, the c.978dupA variant has not been observed in large population cohorts (Lek et al., 2016).

NM_170707.4(LMNA):c.978dup (p.Leu327fs)

Gene: LMNA (lamin A/C; plus strand). Cytogenetic location: 1q22.
Variant type: Duplication.
Coding change: c.978dup on transcript NM_170707.4 (MANE Select); coding-DNA position 978, one base duplicated (A; older notation c.978dupA).
Protein change: p.Leu327fs; shifts the reading frame from leucine 327.
Molecular consequence: frameshift variant.
Genome position (GRCh38, 1-based): chr1:156,135,942, A duplicated. VCF-style (leftmost placement, unchanged base first): chr1-156135941-C-CA. GRCh37 (hg19) VCF-style: chr1-156105732-C-CA.
Other names: c.978dupA (NM_170707.2); c.642dup, p.Leu215fs (NM_001257374.3); c.735dup, p.Leu246fs (NM_001282624.2); c.978dup, p.Leu327fs (NM_001282625.2, NM_001282626.2, NM_005572.4 and 1 more transcripts); short protein forms L215fs, L246fs, L327fs.
Identifiers: ClinVar variation 503978 (VCV000503978.2), dbSNP rs1553265630, ClinGen allele CA658795532.